The following is an entry in ClinVar:

NM_172107.4(KCNQ2):c.401T>A (p.Ile134Asn)

Gene: KCNQ2 (potassium voltage-gated channel subfamily Q member 2; minus strand). Cytogenetic location: 20q13.33.
Variant type: single nucleotide variant.
Coding change: c.401T>A on transcript NM_172107.4 (MANE Select); coding-DNA position 401, T replaced by A.
Protein change: p.Ile134Asn; replaces isoleucine 134 with asparagine.
Molecular consequence: missense variant.
Genome position (GRCh38, 1-based): chr20:63,445,351, A>T on the plus strand (T>A on the coding strand, the complement: KCNQ2 is on the minus strand). VCF-style: chr20-63445351-A-T. GRCh37 (hg19) VCF-style: chr20-62076704-A-T.
Other names: c.401T>A, p.Ile134Asn (NM_001382235.1, NM_004518.6, NM_172106.3 and 2 more transcripts); short protein forms I134N.
Identifiers: ClinVar variation 1683753 (VCV001683753.2), dbSNP rs2145779680, ClinGen allele CA409655588.

ClinVar aggregate classification (germline): Likely pathogenic (1 of 4 stars; one submission).

Conditions:
Developmental and epileptic encephalopathy, 7 (DEE7). Also called: KCNQ2-Related Neonatal-Onset Developmental and Epileptic Encephalopathy (NEO-DEE); Early infantile epileptic encephalopathy 7; KCNQ2-Related Neonatal Epileptic Encephalopathy. Identifiers: Orphanet 439218, MedGen C3150986, MONDO:0013387, OMIM 613720.

Submission:

Laboratorio de Genetica e Diagnostico Molecular, Hospital Israelita Albert Einstein
Classification: Likely pathogenic for Developmental and epileptic encephalopathy, 7. Last evaluated: 2022-01-19. Review status: criteria provided, single submitter. Criteria: ACMG Guidelines, 2015. Collection method: clinical testing. Allele origin: germline. Affected: yes.
Comment: ACMG classification criteria: PM2 moderate, PM6 moderate, PP2 supporting, PP3 supporting